The following is an entry in ClinVar:

ClinVar aggregate classification (germline): Uncertain significance (1 of 4 stars; one submission).

Submission:

GeneDx
Classification: Uncertain significance. Last evaluated: 2023-05-21. Review status: criteria provided, single submitter. Criteria: GeneDx Variant Classification Process June 2021. Collection method: clinical testing. Allele origin: germline. Affected: yes.
Comment: Not observed at significant frequency in large population cohorts (gnomAD); In-frame deletion of 2 amino acids in a non-repeat region; In silico analysis supports a deleterious effect on protein structure/function; Has not been previously published as pathogenic or benign to our knowledge; Variants in candidate genes are classified as variants of uncertain significance in accordance with ACMG guidelines (Richards et al., 2015)

NM_015030.2(FRYL):c.5395_5400del (p.Ser1799_Ser1800del)

Gene: FRYL (FRY like transcription coactivator; minus strand). Cytogenetic location: 4p11.
Variant type: Deletion.
Coding change: c.5395_5400del on transcript NM_015030.2 (MANE Select); coding-DNA positions 5395 to 5400, 6 bases deleted (AGCTCA; older notation c.5395_5400delAGCTCA).
Protein change: p.Ser1799_Ser1800del.
Molecular consequence: inframe deletion.
Genome position (GRCh38, 1-based): chr4:48,544,784-48,544,789, TGAGCT deleted on the plus strand (AGCTCA on the coding strand, the reverse complement: FRYL is on the minus strand); deleting any 6 consecutive bases within chr4:48,544,784-48,544,792 gives the same sequence; the c. name uses the placement nearest the transcript's 3' end. VCF-style (leftmost placement, unchanged base first): chr4-48544783-CTGAGCT-C. GRCh37 (hg19) VCF-style: chr4-48546800-CTGAGCT-C.
Identifiers: ClinVar variation 3343774 (VCV003343774.1).